The following is an entry in ClinVar:

NM_001273.5(CHD4):c.3620C>A (p.Thr1207Asn)

Gene: CHD4 (chromodomain helicase DNA binding protein 4; minus strand). Cytogenetic location: 12p13.31.
Variant type: single nucleotide variant.
Coding change: c.3620C>A on transcript NM_001273.5 (MANE Select); coding-DNA position 3620, C replaced by A.
Protein change: p.Thr1207Asn; replaces threonine 1207 with asparagine.
Molecular consequence: missense variant.
Genome position (GRCh38, 1-based): chr12:6,587,795, G>T on the plus strand (C>A on the coding strand, the complement: CHD4 is on the minus strand). VCF-style: chr12-6587795-G-T. GRCh37 (hg19) VCF-style: chr12-6696961-G-T.
Other names: c.3599C>A, p.Thr1200Asn (NM_001297553.2); c.3581C>A, p.Thr1194Asn (NM_001363606.2); short protein forms T1194N, T1200N, T1207N.
Identifiers: ClinVar variation 4083091 (VCV004083091.1).

ClinVar aggregate classification (germline): Uncertain significance (1 of 4 stars; one submission).

Submission:

GeneDx
Classification: Uncertain significance. Last evaluated: 2025-03-12. Review status: criteria provided, single submitter. Criteria: GeneDx Variant Classification Process June 2021. Collection method: clinical testing. Allele origin: germline. Affected: yes.
Comment: Not observed at significant frequency in large population cohorts (gnomAD); In silico analysis indicates that this missense variant does not alter protein structure/function; Has not been previously published as pathogenic or benign to our knowledge